The following is an entry in ClinVar:

ClinVar aggregate classification (germline): Conflicting classifications of pathogenicity. Review status: criteria provided, conflicting classifications (1 of 4 stars). 2 submissions from 2 submitters: Uncertain significance (1); Likely benign (1). Last evaluated 2025-12-09.

Conditions:
Hereditary cancer-predisposing syndrome. Also called: Neoplastic Syndromes, Hereditary; Hereditary Cancer Syndrome; Tumor predisposition; Hereditary neoplastic syndrome. Identifiers: Orphanet 140162, MedGen C0027672, MeSH D009386, MONDO:0015356.
Ataxia-telangiectasia syndrome (AT). Also called: ATAXIA-TELANGIECTASIA, FRESNO VARIANT; ATAXIA-TELANGIECTASIA, COMPLEMENTATION GROUP A; Ataxia-telangiectasia, complementation group D; AT, COMPLEMENTATION GROUP C; Ataxia telangiectasia (A-T); LOUIS-BAR SYNDROME. Identifiers: Orphanet 100, MedGen C0004135, MONDO:0008840, OMIM 208900.

Submissions (2):

Ambry Genetics
Classification: Likely benign for Hereditary cancer-predisposing syndrome. Last evaluated: 2025-12-09. Review status: criteria provided, single submitter. Criteria: Ambry Variant Classification Scheme 2023. Collection method: clinical testing. Allele origin: germline.

Labcorp Genetics (formerly Invitae), Labcorp
Classification: Uncertain significance for Ataxia-telangiectasia syndrome. Last evaluated: 2022-11-28. Review status: criteria provided, single submitter. Criteria: Invitae Variant Classification Sherloc (09022015). Collection method: clinical testing. Allele origin: germline.
Comment: This sequence change replaces glutamic acid, which is acidic and polar, with aspartic acid, which is acidic and polar, at codon 1800 of the ATM protein (p.Glu1800Asp). This variant is not present in population databases (gnomAD no frequency). This variant has not been reported in the literature in individuals affected with ATM-related conditions. ClinVar contains an entry for this variant (Variation ID: 1430992). Algorithms developed to predict the effect of missense changes on protein structure and function (SIFT, PolyPhen-2, Align-GVGD) all suggest that this variant is likely to be tolerated. In summary, the available evidence is currently insufficient to determine the role of this variant in disease. Therefore, it has been classified as a Variant of Uncertain Significance.

Literature cited by the submitters: PubMed 40580951 (cited by Ambry Genetics).

NM_000051.4(ATM):c.5400A>C (p.Glu1800Asp)

Gene: ATM (ATM serine/threonine kinase; plus strand). Cytogenetic location: 11q22.3.
Variant type: single nucleotide variant.
Coding change: c.5400A>C on transcript NM_000051.4 (MANE Select); coding-DNA position 5400, A replaced by C.
Protein change: p.Glu1800Asp; replaces glutamic acid 1800 with aspartic acid.
Molecular consequence: missense variant.
Genome position (GRCh38, 1-based): chr11:108,302,933, A>C. VCF-style: chr11-108302933-A-C. GRCh37 (hg19) VCF-style: chr11-108173660-A-C.
Other names: c.5400A>C, p.Glu1800Asp (NM_001351834.2); c.5400A>C (NM_000051.3); short protein forms E1800D.
Identifiers: ClinVar variation 1430992 (VCV001430992.8), dbSNP rs2135928904, ClinGen allele CA382543733.